The following is an entry in ClinVar:

ClinVar aggregate classification (germline): Uncertain significance. Review status: criteria provided, multiple submitters, no conflicts (2 of 4 stars). 3 submissions from 3 submitters: Uncertain significance (3). Last evaluated 2022-07-12.

Conditions:
Progeroid and marfanoid aspect-lipodystrophy syndrome. Also called: MARFANOID-PROGEROID SYNDROME; MARFAN-PROGEROID-LIPODYSTROPHY SYNDROME; Marfan lipodystrophy syndrome; MARFANOID-PROGEROID-LIPODYSTROPHY SYNDROME. Identifiers: Orphanet 300382, MedGen C4310796, MONDO:0014831, OMIM 616914.
Marfan syndrome (MFS). Also called: Marfan syndrome, classic; FBN1-Related Marfan Syndrome; Marfan syndrome type 1; Marfan's syndrome; MARFAN SYNDROME, TYPE I. Identifiers: Orphanet 284963, Orphanet 558, MedGen C0024796, MONDO:0007947, OMIM 154700.
Familial thoracic aortic aneurysm and aortic dissection (TAAD). Also called: Thoracic aortic aneurysms and dissections. Identifiers: Orphanet 91387, MedGen C4707243, MONDO:0019625.

Submissions (3):

Labcorp Genetics (formerly Invitae), Labcorp
Classification: Uncertain significance for Marfan syndrome; Familial thoracic aortic aneurysm and aortic dissection. Last evaluated: 2022-07-12. Review status: criteria provided, single submitter. Criteria: Invitae Variant Classification Sherloc (09022015). Collection method: clinical testing. Allele origin: germline.
Comment: In summary, the available evidence is currently insufficient to determine the role of this variant in disease. Therefore, it has been classified as a Variant of Uncertain Significance. Algorithms developed to predict the effect of sequence changes on RNA splicing suggest that this variant may create or strengthen a splice site. ClinVar contains an entry for this variant (Variation ID: 199996). This variant has been observed in individual(s) with FBN1-related conditions (Invitae). This variant is not present in population databases (gnomAD no frequency). This sequence change affects codon 806 of the FBN1 mRNA. It is a 'silent' change, meaning that it does not change the encoded amino acid sequence of the FBN1 protein.

Centre for Mendelian Genomics, University Medical Centre Ljubljana
Classification: Uncertain significance for Progeroid and marfanoid aspect-lipodystrophy syndrome. Last evaluated: 2016-01-01. Review status: criteria provided, single submitter. Criteria: ACMG Guidelines, 2015. Collection method: clinical testing. Allele origin: unknown. Affected: yes.
Comment: This variant was classified as: Uncertain significance. The following ACMG criteria were applied in classifying this variant: PM2,PP3.

GeneDx
Classification: Uncertain significance. Last evaluated: 2013-06-28. Review status: criteria provided, single submitter. Criteria: GeneDx Variant Classification (06012015). Collection method: clinical testing. Allele origin: germline. Affected: yes.
Comment: p.Glu806Glu (GAA>GAG) in exon 20 of the FBN1 gene (NM_000138.4)The c.2418 A>G variant in the FBN1 gene has not been reported as a disease-causing mutation or as a benign polymorphism to our knowledge. While the c.2418 A>G variant results in a synonymous amino acid substitution, this variant affects the nucleotide at the -2 position of the canonical splice donor site. Two different splice site prediction programs concur that this variant creates a new splice donor site and weakens the natural donor site, which can cause abnormal gene splicing. This variant is predicted to lead to either an abnormal message that is subject to nonsense-mediated mRNA decay, or to an abnormal protein product if the message is used for protein translation. With the clinical and molecular information available at this time, we cannot definitively determine if c.2418 A>G is a disease-causing mutation or a rare benign variant. The variant is found in TAAD panel(s).

NM_000138.5(FBN1):c.2418A>G (p.Glu806=)

Gene: FBN1 (fibrillin 1; minus strand). Cytogenetic location: 15q21.1.
Variant type: single nucleotide variant.
Coding change: c.2418A>G on transcript NM_000138.5 (MANE Select); coding-DNA position 2418, A replaced by G.
Protein change: p.Glu806=; no amino-acid change (glutamic acid 806 retained).
Molecular consequence: synonymous variant.
Genome position (GRCh38, 1-based): chr15:48,496,101, T>C on the plus strand (A>G on the coding strand, the complement: FBN1 is on the minus strand). VCF-style: chr15-48496101-T-C. GRCh37 (hg19) VCF-style: chr15-48788298-T-C.
Other names: p.E806E:GAA>GAG.
Identifiers: ClinVar variation 199996 (VCV000199996.13), dbSNP rs794728191, ClinGen allele CA013012.